The following is an entry in ClinVar:

NM_000540.3(RYR1):c.5656G>A (p.Glu1886Lys)

Gene: RYR1 (ryanodine receptor 1; plus strand). Cytogenetic location: 19q13.2.
Variant type: single nucleotide variant.
Coding change: c.5656G>A on transcript NM_000540.3 (MANE Select); coding-DNA position 5656, G replaced by A.
Protein change: p.Glu1886Lys; replaces glutamic acid 1886 with lysine.
Molecular consequence: missense variant.
Genome position (GRCh38, 1-based): chr19:38,489,285, G>A. VCF-style: chr19-38489285-G-A. GRCh37 (hg19) VCF-style: chr19-38979925-G-A.
Other names: c.5656G>A, p.Glu1886Lys (NM_001042723.2); short protein forms E1886K.
Identifiers: ClinVar variation 3074900 (VCV003074900.1), dbSNP rs759258451, ClinGen allele CA067345.

ClinVar aggregate classification (germline): Uncertain significance (1 of 4 stars; one submission).

Conditions:
Malignant hyperthermia, susceptibility to, 1 (MHS1). Also called: Anesthesia related hyperthermia; Malignant hyperpyrexia; Fulminating hyperpyrexia; Pharmacogenic myopathy; RYR1-Related Malignant Hyperthermia Susceptibility; Malignant hyperthermia suceptibility 1. Identifiers: Orphanet 423, MedGen C2930980, MONDO:0007783, OMIM 145600.

Allele frequency attached by ClinVar (database versions not stated): gnomAD exomes below 0.00001; gnomAD 0.00001; ExAC 0.00002.
gnomAD v4.1: 5 of 1,605,294 alleles (0.00031%); highest among the groups gnomAD compares: East Asian, 0.011%; no homozygotes.

Submission:

All of Us Research Program, National Institutes of Health
Classification: Uncertain significance for Malignant hyperthermia, susceptibility to, 1. Last evaluated: 2023-12-18. Review status: criteria provided, single submitter. Criteria: ACMG Guidelines, 2015. Collection method: clinical testing. Allele origin: germline. Inheritance: Autosomal dominant inheritance. Observed: 1 variant allele, 1 heterozygote.
Comment: This missense variant replaces glutamic acid with lysine at codon 1886 of the RYR1 protein. Computational prediction suggests that this variant may not impact protein structure and function (internally defined REVEL score threshold <= 0.5, PMID: 27666373). To our knowledge, functional studies have not been reported for this variant. This variant has not been reported in individuals affected with RYR1-related disorders in the literature. This variant has been identified in 4/279000 chromosomes in the general population by the Genome Aggregation Database (gnomAD). The available evidence is insufficient to determine the role of this variant in disease conclusively. Therefore, this variant is classified as a Variant of Uncertain Significance.

This study involves interpretation of variants in research participants for the purpose of population health screening. Participant phenotype was not available at the time of variant classification. Additional details can be found in publication PMID: 35346344, PMCID: PMC8962531